The following is an entry in ClinVar:

NM_000883.4(IMPDH1):c.128C>T (p.Ala43Val)

Genes: IMPDH1 (inosine monophosphate dehydrogenase 1; minus strand), LOC129999258 (ATAC-STARR-seq lymphoblastoid silent region 18606; plus strand). Cytogenetic location: 7q32.1.
Variant type: single nucleotide variant.
Coding change: c.128C>T on transcript NM_000883.4 (MANE Select); coding-DNA position 128, C replaced by T.
Protein change: p.Ala43Val; replaces alanine 43 with valine.
Molecular consequence: missense variant.
Genome position (GRCh38, 1-based): chr7:128,409,774, G>A on the plus strand (C>T on the coding strand, the complement: IMPDH1 is on the minus strand). VCF-style: chr7-128409774-G-A. GRCh37 (hg19) VCF-style: chr7-128049828-G-A.
Other names: c.128C>T, p.Ala43Val (NM_001304521.2, NM_183243.3, NM_001102605.2 and 1 more transcripts); short protein forms A43V.
Identifiers: ClinVar variation 1501547 (VCV001501547.6), dbSNP rs2116753366, ClinGen allele CA369181805.
Genomic context (GRCh38, chr7:128,409,774, plus strand): 5'-CCCGCCCCGGATGCGCCCCGCGCGCTCTGCCCTGGGCGTCACCTCTCGGGCTCGTAGCCG[G>A]CCTGCAGCAGTCGGGCGCTGTACCGCTGCGCCGCCGTCTCGTGTCCCGGGTGTTGCCGGG-3'
Protein context (NP_000874.2, residues 33-53): AQRYSARLLQ[Ala43Val]GYEPESPRLD

ClinVar aggregate classification (germline): Uncertain significance (1 of 4 stars; one submission).

Allele frequency attached by ClinVar (database versions not stated): gnomAD exomes below 0.00001.
gnomAD v4.1: 2 of 1,520,992 alleles (0.00013%); highest among the groups gnomAD compares: South Asian, 0.0012%; no homozygotes.

Submission:

Labcorp Genetics (formerly Invitae), Labcorp
Classification: Uncertain significance. Last evaluated: 2022-06-05. Review status: criteria provided, single submitter. Criteria: Invitae Variant Classification Sherloc (09022015). Collection method: clinical testing. Allele origin: germline.
Comment: This sequence change replaces alanine, which is neutral and non-polar, with valine, which is neutral and non-polar, at codon 43 of the IMPDH1 protein (p.Ala43Val). This variant is not present in population databases (gnomAD no frequency). This variant has not been reported in the literature in individuals affected with IMPDH1-related conditions. ClinVar contains an entry for this variant (Variation ID: 1501547). Algorithms developed to predict the effect of missense changes on protein structure and function are either unavailable or do not agree on the potential impact of this missense change (SIFT: "Deleterious"; PolyPhen-2: "Possibly Damaging"; Align-GVGD: "Class C0"). Algorithms developed to predict the effect of sequence changes on RNA splicing suggest that this variant may create or strengthen a splice site. In summary, the available evidence is currently insufficient to determine the role of this variant in disease. Therefore, it has been classified as a Variant of Uncertain Significance.